The following is an entry in ClinVar:

ClinVar aggregate classification (germline): Uncertain significance (1 of 4 stars; one submission).

Conditions:
Inborn genetic diseases. Identifiers: MedGen C0950123, MeSH D030342.

Submission:

Ambry Genetics
Classification: Uncertain significance for Inborn genetic diseases. Last evaluated: 2024-12-22. Review status: criteria provided, single submitter. Criteria: Ambry Variant Classification Scheme 2023. Collection method: clinical testing. Allele origin: germline.
Comment: The p.G1075A variant (also known as c.3224G>C), located in coding exon 31 of the RTEL1 gene, results from a G to C substitution at nucleotide position 3224. The glycine at codon 1075 is replaced by alanine, an amino acid with similar properties. This amino acid position is conserved. In addition, this alteration is predicted to be tolerated by in silico analysis. Based on the available evidence, the clinical significance of this variant remains unclear.

NM_001283009.2(RTEL1):c.3224G>C (p.Gly1075Ala)

Genes: RTEL1 (regulator of telomere elongation helicase 1; plus strand), RTEL1-TNFRSF6B (RTEL1-TNFRSF6B readthrough (NMD candidate); plus strand). Cytogenetic location: 20q13.33.
Variant type: single nucleotide variant.
Coding change: c.3224G>C on transcript NM_001283009.2 (MANE Select); coding-DNA position 3224, G replaced by C.
Protein change: p.Gly1075Ala; replaces glycine 1075 with alanine.
Molecular consequence: missense variant. On other transcripts: non-coding transcript variant (1).
Genome position (GRCh38, 1-based): chr20:63,694,855, G>C. VCF-style: chr20-63694855-G-C. GRCh37 (hg19) VCF-style: chr20-62326208-G-C.
Other names: c.2555G>C, p.Gly852Ala (NM_001283010.1); c.3224G>C, p.Gly1075Ala (NM_016434.4); c.3296G>C, p.Gly1099Ala (NM_032957.5); short protein forms G1075A, G1099A, G852A.
Identifiers: ClinVar variation 3791000 (VCV003791000.1).